The following is an entry in ClinVar:

NM_001111.5(ADAR):c.547G>A (p.Gly183Ser)

Gene: ADAR (adenosine deaminase RNA specific; minus strand). Cytogenetic location: 1q21.3.
Variant type: single nucleotide variant.
Coding change: c.547G>A on transcript NM_001111.5 (MANE Select); coding-DNA position 547, G replaced by A.
Protein change: p.Gly183Ser; replaces glycine 183 with serine.
Molecular consequence: missense variant. On other transcripts: 5 prime UTR variant (6).
Genome position (GRCh38, 1-based): chr1:154,602,095, C>T on the plus strand (G>A on the coding strand, the complement: ADAR is on the minus strand). VCF-style: chr1-154602095-C-T. GRCh37 (hg19) VCF-style: chr1-154574571-C-T.
Other names: c.-339G>A (NM_001025107.3, NM_001193495.2, NM_001365046.1 and 3 more transcripts); c.574G>A, p.Gly192Ser (NM_001365045.1); c.547G>A, p.Gly183Ser (NM_015840.4, NM_015841.4, LRG_1212t1); short protein forms G183S, G192S.
Identifiers: ClinVar variation 540266 (VCV000540266.17), dbSNP rs779939725, ClinGen allele CA1131683.
Genomic context (GRCh38, chr1:154,602,095, plus strand): 5'-CCTGAGTGGAGACCGCGATTTTCCACAAAGGGGGTGTTCCTGCCTCTTTCTGTAGCTTGC[C>T]CTTCTTTGCCAGGGAGTATAAAACTCGATTGATTTCTTTCTTCGGAGTCCCAAGTTTCCC-3'
Protein context (NP_001102.3, residues 173-193): NRVLYSLAKK[Gly183Ser]KLQKEAGTPP

ClinVar aggregate classification (germline): Uncertain significance. Review status: criteria provided, multiple submitters, no conflicts (2 of 4 stars). 6 submissions from 6 submitters: Uncertain significance (6). Last evaluated 2025-10-13.

Conditions:
Inborn genetic diseases. Identifiers: MedGen C0950123, MeSH D030342.
Symmetrical dyschromatosis of extremities (DSH). Also called: SYMMETRIC DYSCHROMATOSIS OF THE EXTREMITIES; DYSCHROMATOSIS SYMMETRICA HEREDITARIA 1; RETICULATE ACROPIGMENTATION OF DOHI; Dyschromatosis symmetrica hereditaria. Identifiers: Orphanet 41, MedGen C0406775, MONDO:0007483, OMIM 127400.
Aicardi-Goutieres syndrome 6 (AGS6). Identifiers: Orphanet 51, MedGen C3539013, MONDO:0014007, OMIM 615010.

Allele frequency attached by ClinVar (database versions not stated): gnomAD 0.00002; TOPMed 0.00004.
gnomAD v4.1: 49 of 1,614,102 alleles (0.003%); highest among the groups gnomAD compares: Admixed American, 0.0033%; no homozygotes.

Submissions (6):

Labcorp Genetics (formerly Invitae), Labcorp
Classification: Uncertain significance for Aicardi-Goutieres syndrome 6; Symmetrical dyschromatosis of extremities. Last evaluated: 2025-10-13. Review status: criteria provided, single submitter. Criteria: Invitae Variant Classification Sherloc (09022015). Collection method: clinical testing. Allele origin: germline.
Comment: This sequence change replaces glycine, which is neutral and non-polar, with serine, which is neutral and polar, at codon 183 of the ADAR protein (p.Gly183Ser). This variant is present in population databases (rs779939725, gnomAD 0.08%). This variant has not been reported in the literature in individuals affected with ADAR-related conditions. ClinVar contains an entry for this variant (Variation ID: 540266). An algorithm developed to predict the effect of missense changes on protein structure and function (PolyPhen-2) suggests that this variant is likely to be disruptive. In summary, the available evidence is currently insufficient to determine the role of this variant in disease. Therefore, it has been classified as a Variant of Uncertain Significance.

GeneDx
Classification: Uncertain significance. Last evaluated: 2025-06-17. Review status: criteria provided, single submitter. Criteria: GeneDx Variant Classification Process June 2021. Collection method: clinical testing. Allele origin: germline. Affected: yes.
Comment: In silico analysis suggests that this missense variant does not alter protein structure/function; Has not been previously published as pathogenic or benign to our knowledge

Women's Health and Genetics/Laboratory Corporation of America, LabCorp
Classification: Uncertain significance. Last evaluated: 2025-03-03. Review status: criteria provided, single submitter. Criteria: LabCorp Variant Classification Summary - May 2015. Collection method: clinical testing. Allele origin: germline.
Comment: Variant summary: ADAR c.547G>A (p.Gly183Ser) results in a non-conservative amino acid change in the encoded protein sequence. Three of five in-silico tools predict a damaging effect of the variant on protein function. The variant allele was found at a frequency of 4e-05 in 251478 control chromosomes. This frequency is not significantly higher than estimated for a pathogenic variant in ADAR causing Aicardi-Goutieres syndrome 6, allowing no conclusion about variant significance. To our knowledge, no occurrence of c.547G>A in individuals affected with Aicardi-Goutieres syndrome 6 and no experimental evidence demonstrating its impact on protein function have been reported. ClinVar contains an entry for this variant (Variation ID: 540266). Based on the evidence outlined above, the variant was classified as uncertain significance.

Ambry Genetics
Classification: Uncertain significance for Inborn genetic diseases. Last evaluated: 2023-12-16. Review status: criteria provided, single submitter. Criteria: Ambry Variant Classification Scheme 2023. Collection method: clinical testing. Allele origin: germline.

Genome-Nilou Lab
Classification: Uncertain significance for Aicardi-Goutieres syndrome 6. Last evaluated: 2023-04-11. Review status: criteria provided, single submitter. Criteria: ACMG Guidelines, 2015. Collection method: clinical testing. Allele origin: germline. Affected: no.

Blueprint Genetics
Classification: Uncertain significance. Last evaluated: 2022-10-27. Review status: criteria provided, single submitter. Criteria: ACMG Guidelines, 2015. Collection method: clinical testing. Allele origin: germline.